The following is an entry in ClinVar:

NR_033294.2(SNORD118):n.34C>T

Genes: SNORD118 (small nucleolar RNA, C/D box 118; minus strand), TMEM107 (transmembrane protein 107; minus strand). Cytogenetic location: 17p13.1.
Variant type: single nucleotide variant.
Molecular consequence: non-coding transcript variant (on NR_033294.2). On other transcripts: 3 prime UTR variant (5).
Genome position: GRCh38 VCF-style: chr17-8173555-G-A. GRCh37 (hg19) VCF-style: chr17-8076873-G-A.
Other names: c.*648C>T (NM_001351278.2, NM_001351279.2, NM_001351280.2 and 2 more transcripts).
Identifiers: ClinVar variation 1613242 (VCV001613242.10), dbSNP rs117057308, ClinGen allele CA8370773.
Genomic context (GRCh38, chr17:8,173,555, plus strand): 5'-CAGAGACGTTAATCACGTTTCATGCATCTCCAATCATCATGTTCTAATCTGCCCTCCGGA[G>A]GAGGAACAGGTAAGGATTATCCCACCTGACGATACAGACAAACAGCCGACATTCTGCACT-3'

ClinVar aggregate classification (germline): Benign/Likely benign. Review status: criteria provided, multiple submitters, no conflicts (2 of 4 stars). 3 submissions from 3 submitters: Benign (2); Likely benign (1). Last evaluated 2026-02-02.

Allele frequency attached by ClinVar (database versions not stated): ESP Exome Variant Server 0.00174; 1000 Genomes Project 0.00978; 1000 Genomes Project 30x 0.01171.
gnomAD v4.1: 3,385 of 765,362 alleles (0.44%); highest among the groups gnomAD compares: Admixed American, 3%; 50 homozygotes.

Submissions (3):

Labcorp Genetics (formerly Invitae), Labcorp
Classification: Benign. Last evaluated: 2026-02-02. Review status: criteria provided, single submitter. Criteria: Invitae Variant Classification Sherloc (09022015). Collection method: clinical testing. Allele origin: germline.

GeneDx
Classification: Likely benign. Last evaluated: 2021-05-26. Review status: criteria provided, single submitter. Criteria: GeneDx Variant Classification Process June 2021. Collection method: clinical testing. Allele origin: germline. Affected: yes.
Comment: See Variant Classification Assertion Criteria.

Breakthrough Genomics
Classification: Benign. Review status: criteria provided, single submitter. Criteria: ACMG Guidelines, 2015. Collection method: not provided. Allele origin: germline. Inheritance: Autosomal recessive inheritance. Affected: yes.